The following is an entry in ClinVar:

ClinVar aggregate classification (germline): Conflicting classifications of pathogenicity. Review status: criteria provided, conflicting classifications (1 of 4 stars). 8 submissions from 8 submitters: Uncertain significance (3); Likely benign (5). Last evaluated 2026-08-25.

Conditions:
Inborn genetic diseases. Identifiers: MedGen C0950123, MeSH D030342.

Allele frequency attached by ClinVar (database versions not stated): TOPMed 0.00034; gnomAD 0.00037 and 0.00040; gnomAD exomes 0.00044; ESP Exome Variant Server 0.00072; ExAC 0.00077; 1000 Genomes Project 0.00120; 1000 Genomes Project 30x 0.00125.
gnomAD v4.1: 608 of 1,610,906 alleles (0.038%); highest among the groups gnomAD compares: Middle Eastern, 0.61%; 3 homozygotes.

Submissions (8):

GeneDx
Classification: Uncertain significance. Last evaluated: 2026-08-25. Review status: criteria provided, single submitter. Criteria: GeneDx Variant Classification Process June 2021. Collection method: clinical testing. Allele origin: germline.
Comment: In silico analysis supports that this missense variant has a deleterious effect on protein structure/function; Has not been previously published as pathogenic or benign to our knowledge

Women's Health and Genetics/Laboratory Corporation of America, LabCorp
Classification: Uncertain significance. Last evaluated: 2026-03-10. Review status: criteria provided, single submitter. Criteria: LabCorp Variant Classification Summary - May 2015. Collection method: clinical testing. Allele origin: germline.
Comment: Variant summary: MYO15A c.6112C>T (p.Arg2038Cys) results in a non-conservative amino acid change in the encoded protein sequence. Algorithms developed to predict the effect of missense changes on protein structure and function are either unavailable or do not agree on the potential impact of this missense change. The variant allele was found at a frequency of 0.00044 in 242794 control chromosomes, predominantly at a frequency of 0.00065 within the Latino subpopulation in the gnomAD database. This frequency is not significantly higher than estimated for disease-causing variants in MYO15A, allowing no conclusion about variant significance. To our knowledge, no occurrence of c.6112C>T in individuals affected with MYO15A-related conditions and no experimental evidence demonstrating its impact on protein function have been reported. ClinVar contains an entry for this variant (Variation ID: 164538). Based on the evidence outlined above, the variant was classified as uncertain significance.

Labcorp Genetics (formerly Invitae), Labcorp
Classification: Likely benign. Last evaluated: 2026-01-21. Review status: criteria provided, single submitter. Criteria: Invitae Variant Classification Sherloc (09022015). Collection method: clinical testing. Allele origin: germline.

Genomic Medicine Center of Excellence, King Faisal Specialist Hospital and Research Centre
Classification: Likely benign. Last evaluated: 2025-08-18. Review status: criteria provided, single submitter. Criteria: ACMG Guidelines, 2015. Collection method: clinical testing. Allele origin: germline.

Blueprint Genetics
Classification: Likely benign. Last evaluated: 2024-09-13. Review status: criteria provided, single submitter. Criteria: ACMG Guidelines, 2015. Collection method: clinical testing. Allele origin: germline.

Ambry Genetics
Classification: Uncertain significance for Inborn genetic diseases. Last evaluated: 2024-07-25. Review status: criteria provided, single submitter. Criteria: Ambry Variant Classification Scheme 2023. Collection method: clinical testing. Allele origin: germline.

CeGaT Center for Human Genetics Tuebingen
Classification: Likely benign. Last evaluated: 2023-10-01. Review status: criteria provided, single submitter. Criteria: CeGaT Center For Human Genetics Tuebingen Variant Classification Criteria Version 2. Collection method: clinical testing. Allele origin: germline. Affected: yes. Observed: 1 variant allele.
Comment: MYO15A: BP4

Laboratory for Molecular Medicine, Mass General Brigham Personalized Medicine
Classification: Likely benign. Last evaluated: 2013-08-29. Review status: criteria provided, single submitter. Criteria: LMM Criteria. Collection method: clinical testing. Allele origin: germline. Observed: 4 variant alleles.
Comment: Arg2038Cys in Exon 28 of MYO15A: This variant is not expected to have clinical s ignificance because it has been identified in 0.2% (14/7692) of Latino chromosom es by the Exome Aggregation Consortium (ExAC; db SNP rs146633221), and the Arginine (Arg) at position 2038 is not conserved in ma mmals or evolutionarily distant species and the change to Cysteine (Cys) is pres ent in several species including rat and mouse.

NM_016239.4(MYO15A):c.6112C>T (p.Arg2038Cys)

Gene: MYO15A (myosin XVA; plus strand). Cytogenetic location: 17p11.2.
Variant type: single nucleotide variant.
Coding change: c.6112C>T on transcript NM_016239.4 (MANE Select); coding-DNA position 6112, C replaced by T.
Protein change: p.Arg2038Cys; replaces arginine 2038 with cysteine.
Molecular consequence: missense variant.
Genome position (GRCh38, 1-based): chr17:18,143,935, C>T. VCF-style: chr17-18143935-C-T. GRCh37 (hg19) VCF-style: chr17-18047249-C-T.
Other names: short protein forms R2038C.
Identifiers: ClinVar variation 164538 (VCV000164538.44), dbSNP rs146633221, ClinGen allele CA177235.
Genomic context (GRCh38, chr17:18,143,935, plus strand): 5'-GGGCTGGCCCAGGTGCCTCAGGTGGCCCCTGTGAGGACTCCTCGACTCCAGGCTGAGCCC[C>T]GTGTCACACTGCCCCTGGACATCAACAACTATCCTATGGCCAAGTTTGTCCAGTGCCACT-3'
Protein context (NP_057323.3, residues 2028-2048): VRTPRLQAEP[Arg2038Cys]VTLPLDINNY